The following is an entry in ClinVar:

ClinVar aggregate classification (germline): Uncertain significance. Review status: criteria provided, multiple submitters, no conflicts (2 of 4 stars). 2 submissions from 2 submitters: Uncertain significance (2). Last evaluated 2025-10-02.

Conditions:
Age related macular degeneration 4. Identifiers: MedGen C1853147, MONDO:0012540, OMIM 610698.
Factor H deficiency (CFHD). Also called: COMPLEMENT FACTOR H DEFICIENCY; CFH DEFICIENCY. Identifiers: Orphanet 200421, MedGen C0398777, MONDO:0012350, OMIM 609814.
Atypical hemolytic-uremic syndrome. Identifiers: Orphanet 2134, MedGen C2931788, MONDO:0016244.
Basal laminar drusen. Also called: DRUSEN OF BRUCH MEMBRANE; DRUSEN, CUTICULAR; DRUSEN, EARLY ADULT-ONSET, GROUPED. Identifiers: Orphanet 75376, MedGen C0730295, MONDO:0007472, OMIM 126700.

Submissions (2):

Genomenon, Inc
Classification: Uncertain significance for Basal laminar drusen; Age related macular degeneration 4; Atypical hemolytic-uremic syndrome; Factor H deficiency. Last evaluated: 2025-10-02. Review status: criteria provided, single submitter. Criteria: Genomenon Sequence Variant Interpretation Standards - Updated. Collection method: curation. Allele origin: germline. Affected: no.
Comment: CFH p.Thr1213Ala (c.3637A>G) is a missense variant that changes the amino acid at residue 1213 from Threonine to Alanine. This variant has been reported in the published literature (PMID:21531728). It is absent or not present at a significant frequency in gnomAD. In silico models agree that this variant is not damaging. In conclusion, we classify CFH p.Thr1213Ala (c.3637A>G) as a variant of uncertain significance.

Blueprint Genetics
Classification: Uncertain significance. Last evaluated: 2023-01-20. Review status: criteria provided, single submitter. Criteria: ACMG Guidelines, 2015. Collection method: clinical testing. Allele origin: germline.

Literature cited by the submitters: PubMed 21531728 (cited by Genomenon, Inc).

NM_000186.4(CFH):c.3637A>G (p.Thr1213Ala)

Gene: CFH (complement factor H; plus strand). Cytogenetic location: 1q31.3.
Variant type: single nucleotide variant.
Coding change: c.3637A>G on transcript NM_000186.4 (MANE Select); coding-DNA position 3637, A replaced by G.
Protein change: p.Thr1213Ala; replaces threonine 1213 with alanine.
Molecular consequence: missense variant.
Genome position (GRCh38, 1-based): chr1:196,747,254, A>G. VCF-style: chr1-196747254-A-G. GRCh37 (hg19) VCF-style: chr1-196716384-A-G.
Other names: short protein forms T1213A.
Identifiers: ClinVar variation 4291636 (VCV004291636.2).